The following is an entry in ClinVar:

ClinVar aggregate classification (germline): Uncertain significance (1 of 4 stars; one submission).

Conditions:
Autoimmune lymphoproliferative syndrome type 2B. Also called: AUTOIMMUNE LYMPHOPROLIFERATIVE SYNDROME, TYPE IIB. Identifiers: Orphanet 275517, MedGen C1846545, MONDO:0011804, OMIM 607271.

Allele frequency attached by ClinVar (database versions not stated): TOPMed below 0.00001; gnomAD exomes 0.00001; ExAC 0.00002.
gnomAD v4.1: 9 of 1,569,894 alleles (0.00057%); highest among the groups gnomAD compares: South Asian, 0.0089%; no homozygotes.

Submission:

Labcorp Genetics (formerly Invitae), Labcorp
Classification: Uncertain significance for Autoimmune lymphoproliferative syndrome type 2B. Last evaluated: 2022-07-05. Review status: criteria provided, single submitter. Criteria: Invitae Variant Classification Sherloc (09022015). Collection method: clinical testing. Allele origin: germline.
Comment: In summary, the available evidence is currently insufficient to determine the role of this variant in disease. Therefore, it has been classified as a Variant of Uncertain Significance. Algorithms developed to predict the effect of sequence changes on RNA splicing suggest that this variant is not likely to affect RNA splicing. This variant has not been reported in the literature in individuals affected with CASP8-related conditions. This variant is present in population databases (rs747502933, gnomAD 0.006%). This sequence change affects codon 134 of the CASP8 mRNA. It is a 'silent' change, meaning that it does not change the encoded amino acid sequence of the CASP8 protein. It affects a nucleotide within the consensus splice site.

NM_001372051.1(CASP8):c.306G>A (p.Arg102=)

Gene: CASP8 (caspase 8; plus strand). Cytogenetic location: 2q33.1.
Variant type: single nucleotide variant.
Coding change: c.306G>A on transcript NM_001372051.1 (MANE Select); coding-DNA position 306, G replaced by A.
Protein change: p.Arg102=; no amino-acid change (arginine 102 retained).
Molecular consequence: synonymous variant. On other transcripts: 5 prime UTR variant (12), non-coding transcript variant (19).
Genome position (GRCh38, 1-based): chr2:201,271,516, G>A. VCF-style: chr2-201271516-G-A. GRCh37 (hg19) VCF-style: chr2-202136239-G-A.
Other names: c.306G>A, p.Arg102= (NM_001400654.1, NM_001400655.1, NM_001080124.2 and 20 more transcripts); c.483G>A, p.Arg161= (NM_001080125.2, NM_001400642.1, NM_001400665.1); c.402G>A, p.Arg134= (NM_001228.5); c.-4G>A (NM_001400669.1); c.-227G>A (NM_001400671.1, NM_001400672.1, NM_001400673.1 and 6 more transcripts); c.-408G>A (NM_001400674.1); c.-306G>A (NM_001400680.1).
Identifiers: ClinVar variation 2132453 (VCV002132453.4), dbSNP rs747502933, ClinGen allele CA2053532.
Genomic context (GRCh38, chr2:201,271,516, plus strand): 5'-ATATCAAATGGGAAATTATTTGGGAAAAGATTTCTAAAGTGTCTCCATTTCCCACCACAG[G>A]GTCATGCTCTATCAGATTTCAGAAGAAGTGAGCAGATCAGAATTGAGGTCTTTTAAGTTT-3'
Protein context (NP_001358980.1, residues 92-112): TPGRAQISAY[Arg102=]VMLYQISEEV